The following is an entry in ClinVar:

ClinVar aggregate classification (germline): Uncertain significance. Review status: criteria provided, multiple submitters, no conflicts (2 of 4 stars). 2 submissions from 2 submitters: Uncertain significance (2). Last evaluated 2025-08-20.

Conditions:
Inborn genetic diseases. Identifiers: MedGen C0950123, MeSH D030342.
Early-infantile DEE. Also called: Ohtahara syndrome; Early infantile epileptic encephalopathy with suppression bursts; Early infantile epileptic encephalopathy. Identifiers: Orphanet 1934, MedGen C0393706, MONDO:0800491.

Allele frequency attached by ClinVar (database versions not stated): gnomAD exomes below 0.00001; gnomAD 0.00001; TOPMed 0.00001.
gnomAD v4.1: 3 of 1,613,830 alleles (0.00019%); highest among the groups gnomAD compares: Non-Finnish European, 0.00025%; no homozygotes.

Submissions (2):

Ambry Genetics
Classification: Uncertain significance for Inborn genetic diseases. Last evaluated: 2025-08-20. Review status: criteria provided, single submitter. Criteria: Ambry Variant Classification Scheme 2023. Collection method: clinical testing. Allele origin: germline.

Labcorp Genetics (formerly Invitae), Labcorp
Classification: Uncertain significance for Early-infantile DEE. Last evaluated: 2025-04-08. Review status: criteria provided, single submitter. Criteria: Invitae Variant Classification Sherloc (09022015). Collection method: clinical testing. Allele origin: germline.
Comment: This sequence change replaces leucine, which is neutral and non-polar, with isoleucine, which is neutral and non-polar, at codon 2474 of the SPTAN1 protein (p.Leu2474Ile). This variant is not present in population databases (gnomAD no frequency). This variant has not been reported in the literature in individuals affected with SPTAN1-related conditions. ClinVar contains an entry for this variant (Variation ID: 1927825). Invitae Evidence Modeling of protein sequence and biophysical properties (such as structural, functional, and spatial information, amino acid conservation, physicochemical variation, residue mobility, and thermodynamic stability) has been performed for this missense variant. However, the output from this modeling did not meet the statistical confidence thresholds required to predict the impact of this variant on SPTAN1 protein function. In summary, the available evidence is currently insufficient to determine the role of this variant in disease. Therefore, it has been classified as a Variant of Uncertain Significance.

NM_001130438.3(SPTAN1):c.7420C>A (p.Leu2474Ile)

Gene: SPTAN1 (spectrin alpha, non-erythrocytic 1; plus strand). Cytogenetic location: 9q34.11.
Variant type: single nucleotide variant.
Coding change: c.7420C>A on transcript NM_001130438.3 (MANE Select); coding-DNA position 7420, C replaced by A.
Protein change: p.Leu2474Ile; replaces leucine 2474 with isoleucine.
Molecular consequence: missense variant.
Genome position (GRCh38, 1-based): chr9:128,633,320, C>A. VCF-style: chr9-128633320-C-A. GRCh37 (hg19) VCF-style: chr9-131395599-C-A.
Other names: c.7420C>A (NM_001130438.2); c.7345C>A, p.Leu2449Ile (NM_001195532.2); c.7483C>A, p.Leu2495Ile (NM_001363759.2); c.7360C>A, p.Leu2454Ile (NM_001363765.2, NM_001375314.2); c.7507C>A, p.Leu2503Ile (NM_001375310.1); c.7420C>A, p.Leu2474Ile (NM_001375311.2); c.7456C>A, p.Leu2486Ile (NM_001375312.2); c.7402C>A, p.Leu2468Ile (NM_001375313.1); and 2 more; short protein forms L2495I, L2507I, L2474I, L2454I, L2468I, L2449I, L2469I, L2486I.
Identifiers: ClinVar variation 1927825 (VCV001927825.6), dbSNP rs926397326, ClinGen allele CA200414325.